The following is an entry in ClinVar:

ClinVar aggregate classification (germline): Uncertain significance (1 of 4 stars; one submission).

Conditions:
Focal segmental glomerulosclerosis 2 (FSGS2). Identifiers: Orphanet 656, MedGen C1858915, MONDO:0011390, OMIM 603965.

Submission:

Neuberg Centre For Genomic Medicine, NCGM
Classification: Uncertain significance for Focal segmental glomerulosclerosis 2. Review status: criteria provided, single submitter. Criteria: ACMG Guidelines, 2015. Collection method: clinical testing. Allele origin: germline. Inheritance: Autosomal dominant inheritance. Affected: yes.
Comment: The missense variant c.1584G>A (p.Met528Ile) in TRPC6 gene has not been reported previously as a pathogenic variant nor as a benign variant, to our knowledge. The p.Met528Ile variant is novel (not in any individuals) in gnomAD Exomes and 1000 Genomes. The amino acid Met at position 528 is changed to a Ile changing protein sequence and it might alter its composition and physico-chemical properties. In silico tools predict the variant to be tolerated. The residue is conserved across species. The amino acid change p.Met528Ile in TRPC6 is predicted as conserved by GERP++ and PhyloP across 100 vertebrates. For these reasons, this variant has been classified as Variant of Uncertain Significance (VUS).

NM_004621.6(TRPC6):c.1584G>A (p.Met528Ile)

Gene: TRPC6 (transient receptor potential cation channel subfamily C member 6; minus strand). Cytogenetic location: 11q22.1.
Variant type: single nucleotide variant.
Coding change: c.1584G>A on transcript NM_004621.6 (MANE Select); coding-DNA position 1584, G replaced by A.
Protein change: p.Met528Ile; replaces methionine 528 with isoleucine.
Molecular consequence: missense variant.
Genome position (GRCh38, 1-based): chr11:101,476,461, C>T on the plus strand (G>A on the coding strand, the complement: TRPC6 is on the minus strand). VCF-style: chr11-101476461-C-T. GRCh37 (hg19) VCF-style: chr11-101347192-C-T.
Other names: short protein forms M528I.
Identifiers: ClinVar variation 2585265 (VCV002585265.1), dbSNP rs2497345728, ClinGen allele CA382440938.